The following is an entry in ClinVar:

ClinVar aggregate classification (germline): Pathogenic. Review status: criteria provided, multiple submitters, no conflicts (2 of 4 stars). 8 submissions from 8 submitters: Pathogenic (7). 1 of the submissions does not count toward it. Last evaluated 2025-09-09.

Conditions:
Early-infantile DEE. Also called: Ohtahara syndrome; Early infantile epileptic encephalopathy; Early infantile epileptic encephalopathy with suppression bursts. Identifiers: Orphanet 1934, MedGen C0393706, MONDO:0800491.
KCNQ2-Related Disorders. Also called: KCNQ2-related condition; KCNQ2-related disorder. Identifiers: MedGen CN169299.
Developmental and epileptic encephalopathy, 7 (DEE7). Also called: Early infantile epileptic encephalopathy 7; KCNQ2-Related Neonatal-Onset Developmental and Epileptic Encephalopathy (NEO-DEE); KCNQ2-Related Neonatal Epileptic Encephalopathy. Identifiers: Orphanet 439218, MedGen C3150986, MONDO:0013387, OMIM 613720.
Seizures, benign familial neonatal, 1. Also called: Benign Neonatal Epilepsy 1; KCNQ2-Related Self-Limited Familial Neonatal Epilepsy (SLFNE); KCNQ2-Related Benign Familial Neonatal Epilepsy; Seizures, benign neonatal, 1. Identifiers: Orphanet 1949, MedGen C3149074, MONDO:0007365, OMIM 121200.

Submissions (8):

3billion
Classification: Pathogenic for Developmental and epileptic encephalopathy, 7. Last evaluated: 2025-09-09. Review status: criteria provided, single submitter. Criteria: ACMG Guidelines, 2015. Collection method: clinical testing. Allele origin: germline. Affected: yes.
Comment: The variant is not observed in the gnomAD v4.1.0 dataset. Predicted Consequence/Location: Missense variant Functional studies provide moderate evidence of the variant having a damaging effect on the gene or gene product (PMID: 26073431). In silico tool predictions suggest damaging effect of the variant on gene or gene product [REVEL: 0.96 (>=0.6, sensitivity 0.68 and specificity 0.92); 3Cnet: 0.99 (> 0.75, sensitivity 0.96 and precision 0.92)]. The same nucleotide change resulting in the same amino acid change has been previously reported as pathogenic/likely pathogenic with strong evidence (ClinVar ID: VCV000021767 /PMID: 11690625 /3billion dataset). Different missense changes at the same codon (p.Arg553Gly, p.Arg553Leu, p.Arg553Pro, p.Arg553Trp) have been reported as pathogenic/likely pathogenic with strong evidence (ClinVar ID: VCV000205913, VCV000369805, VCV000560650, VCV001705411 /PMID: 23621294 /3billion dataset). Therefore, this variant is classified as Pathogenic according to the recommendation of ACMG/AMP guideline.

Labcorp Genetics (formerly Invitae), Labcorp
Classification: Pathogenic for Early-infantile DEE. Last evaluated: 2024-11-27. Review status: criteria provided, single submitter. Criteria: Invitae Variant Classification Sherloc (09022015). Collection method: clinical testing. Allele origin: germline.
Comment: This sequence change replaces arginine, which is basic and polar, with glutamine, which is neutral and polar, at codon 553 of the KCNQ2 protein (p.Arg553Gln). This variant is not present in population databases (gnomAD no frequency). This missense change has been observed in individual(s) with KCNQ2-related disease (PMID: 24375629, 29933521). In at least one individual the variant was observed to be de novo. ClinVar contains an entry for this variant (Variation ID: 21767). Invitae Evidence Modeling of protein sequence and biophysical properties (such as structural, functional, and spatial information, amino acid conservation, physicochemical variation, residue mobility, and thermodynamic stability) indicates that this missense variant is expected to disrupt KCNQ2 protein function with a positive predictive value of 95%. Experimental studies have shown that this missense change affects KCNQ2 function (PMID: 24375629, 26073431). This variant disrupts the p.Arg553 amino acid residue in KCNQ2. Other variant(s) that disrupt this residue have been determined to be pathogenic (PMID: 23621294, 27535030). This suggests that this residue is clinically significant, and that variants that disrupt this residue are likely to be disease-causing. For these reasons, this variant has been classified as Pathogenic.

Dubai Health Genomic Medicine Center, Dubai Health
Classification: Pathogenic for Developmental and epileptic encephalopathy 7. Last evaluated: 2024-10-04. Review status: criteria provided, single submitter. Criteria: ACMG Guidelines, 2015. Collection method: research. Allele origin: germline. Affected: yes.
Comment: PS2,PS3,PM5,PM2,PP3

CeGaT Center for Human Genetics Tuebingen
Classification: Pathogenic. Last evaluated: 2024-08-01. Review status: criteria provided, single submitter. Criteria: CeGaT Center For Human Genetics Tuebingen Variant Classification Criteria Version 2. Collection method: clinical testing. Allele origin: germline. Affected: yes. Observed: 2 variant alleles.
Comment: KCNQ2: PS2, PM1, PM2, PM5, PS4:Moderate, PP3, PS3:Supporting

Clinical Genetics Laboratory, Skane University Hospital Lund
Classification: Pathogenic. Last evaluated: 2022-10-18. Review status: criteria provided, single submitter. Criteria: ACMG Guidelines, 2015. Collection method: clinical testing. Allele origin: germline. Affected: yes.

GeneDx
Classification: Pathogenic. Last evaluated: 2022-02-19. Review status: criteria provided, single submitter. Criteria: GeneDx Variant Classification Process June 2021. Collection method: clinical testing. Allele origin: germline. Affected: yes.
Comment: Published functional studies demonstrate a damaging effect with in vitro functional analysis showing that R553Q alters KCNQ2 channel function (Soldovieri et al., 2014; Ambrosino et al., 2015); Not observed in large population cohorts (gnomAD); Missense variants in this gene are often considered pathogenic (HGMD); This substitution is predicted to be within the C-terminal cytoplasmic domain; In silico analysis supports that this missense variant has a deleterious effect on protein structure/function; This variant is associated with the following publications: (PMID: 11690625, 26073431, 16686649, 18698150, 19380078, 12754513, 28976808, 31780880, 27535030, 20437616, 32718099, 27602407, 24375629)

Blueprint Genetics
Classification: Pathogenic for KCNQ2-related disorders. Last evaluated: 2021-09-14. Review status: criteria provided, single submitter. Criteria: ACMG Guidelines, 2015. Collection method: clinical testing. Allele origin: germline. Affected: yes. Observed: 2 variant alleles.

GeneReviews
No classification provided. Condition: Seizures, benign familial neonatal, 1. Review status: no classification provided. Collection method: literature only. Allele origin: germline. Affected: yes. Not counted in ClinVar's aggregate classification.
Comment: BFNE (benign familial neonatal epilepsy)

R553 is part of a consensus sequence for protein kinase C phosphorylation, if the site was eliminated by mutagenesis (S551A), muscarinic modulation of KCNQ2 homomers in HEK cells was reduced 60% R553 (CHO): Q2wt:Q2mut:Q3, 15% reduced current.

Literature cited by the submitters: PubMed 26073431 (cited by 3billion and Labcorp Genetics (formerly Invitae), Labcorp); PubMed 11690625 (cited by 3billion and GeneReviews); PubMed 23621294 (cited by 3billion and Labcorp Genetics (formerly Invitae), Labcorp); PubMed 24375629 (cited by Labcorp Genetics (formerly Invitae), Labcorp and GeneReviews); PubMed 29933521 (cited by Labcorp Genetics (formerly Invitae), Labcorp); PubMed 27535030 (cited by Labcorp Genetics (formerly Invitae), Labcorp); PubMed 12754513 (cited by GeneReviews); NCBI Bookshelf NBK32534 (cited by GeneReviews).

NM_172107.4(KCNQ2):c.1658G>A (p.Arg553Gln)

Gene: KCNQ2 (potassium voltage-gated channel subfamily Q member 2; minus strand). Cytogenetic location: 20q13.33.
Variant type: single nucleotide variant.
Coding change: c.1658G>A on transcript NM_172107.4 (MANE Select); coding-DNA position 1658, G replaced by A.
Protein change: p.Arg553Gln; replaces arginine 553 with glutamine.
Molecular consequence: missense variant.
Genome position (GRCh38, 1-based): chr20:63,413,555, C>T on the plus strand (G>A on the coding strand, the complement: KCNQ2 is on the minus strand). VCF-style: chr20-63413555-C-T. GRCh37 (hg19) VCF-style: chr20-62044908-C-T.
Other names: p.R553Q:CGG>CAG; c.1574G>A, p.Arg525Gln (NM_004518.6); c.1604G>A, p.Arg535Gln (NM_172106.3); c.1565G>A, p.Arg522Gln (NM_172108.5); short protein forms R553Q, R522Q, R535Q, R525Q.
Identifiers: ClinVar variation 21767 (VCV000021767.57), dbSNP rs118192234, ClinGen allele CA315465.